The following is an entry in ClinVar:

ClinVar aggregate classification (germline): Uncertain significance (1 of 4 stars; one submission).

Conditions:
Peroxisome biogenesis disorder. Identifiers: Orphanet 79189, MedGen C1832200, MONDO:0019234. Disease mechanism: loss of function.

gnomAD v4.1: 1 of 1,534,610 alleles (0.000065%); highest among the groups gnomAD compares: Non-Finnish European, 0.000087%; no homozygotes.

Submission:

Labcorp Genetics (formerly Invitae), Labcorp
Classification: Uncertain significance for Peroxisome biogenesis disorder. Last evaluated: 2022-03-19. Review status: criteria provided, single submitter. Criteria: Invitae Variant Classification Sherloc (09022015). Collection method: clinical testing. Allele origin: germline.
Comment: This sequence change replaces valine, which is neutral and non-polar, with leucine, which is neutral and non-polar, at codon 125 of the PEX6 protein (p.Val125Leu). This variant is not present in population databases (gnomAD no frequency). This variant has not been reported in the literature in individuals affected with PEX6-related conditions. Algorithms developed to predict the effect of missense changes on protein structure and function are either unavailable or do not agree on the potential impact of this missense change (SIFT: "Tolerated"; PolyPhen-2: "Probably Damaging"; Align-GVGD: "Class C0"). In summary, the available evidence is currently insufficient to determine the role of this variant in disease. Therefore, it has been classified as a Variant of Uncertain Significance.

NM_000287.4(PEX6):c.373G>T (p.Val125Leu)

Gene: PEX6 (peroxisomal biogenesis factor 6; minus strand). Cytogenetic location: 6p21.1.
Variant type: single nucleotide variant.
Coding change: c.373G>T on transcript NM_000287.4 (MANE Select); coding-DNA position 373, G replaced by T.
Protein change: p.Val125Leu; replaces valine 125 with leucine.
Molecular consequence: missense variant. On other transcripts: non-coding transcript variant (1).
Genome position (GRCh38, 1-based): chr6:42,978,778, C>A on the plus strand (G>T on the coding strand, the complement: PEX6 is on the minus strand). VCF-style: chr6-42978778-C-A. GRCh37 (hg19) VCF-style: chr6-42946516-C-A.
Other names: c.373G>T, p.Val125Leu (NM_001316313.2); short protein forms V125L.
Identifiers: ClinVar variation 1409812 (VCV001409812.5), dbSNP rs1383547974, ClinGen allele CA364166813.